The following is an entry in ClinVar:

NM_005477.3(HCN4):c.362A>C (p.His121Pro)

Gene: HCN4 (hyperpolarization activated cyclic nucleotide gated potassium channel 4; minus strand). Cytogenetic location: 15q24.1.
Variant type: single nucleotide variant.
Coding change: c.362A>C on transcript NM_005477.3 (MANE Select); coding-DNA position 362, A replaced by C.
Protein change: p.His121Pro; replaces histidine 121 with proline.
Molecular consequence: missense variant.
Genome position (GRCh38, 1-based): chr15:73,367,909, T>G on the plus strand (A>C on the coding strand, the complement: HCN4 is on the minus strand). VCF-style: chr15-73367909-T-G. GRCh37 (hg19) VCF-style: chr15-73660250-T-G.
Other names: short protein forms H121P.
Identifiers: ClinVar variation 470671 (VCV000470671.9), dbSNP rs1370522527, ClinGen allele CA393098262.

ClinVar aggregate classification (germline): Uncertain significance (1 of 4 stars; one submission).

Conditions:
Brugada syndrome 8 (BRGDA8). Identifiers: Orphanet 130, MedGen C2751083, MONDO:0013148, OMIM 613123.

Submission:

Labcorp Genetics (formerly Invitae), Labcorp
Classification: Uncertain significance for Brugada syndrome 8. Last evaluated: 2022-03-09. Review status: criteria provided, single submitter. Criteria: Invitae Variant Classification Sherloc (09022015). Collection method: clinical testing. Allele origin: germline.
Comment: In summary, the available evidence is currently insufficient to determine the role of this variant in disease. Therefore, it has been classified as a Variant of Uncertain Significance. Advanced modeling of protein sequence and biophysical properties (such as structural, functional, and spatial information, amino acid conservation, physicochemical variation, residue mobility, and thermodynamic stability) performed at Invitae indicates that this missense variant is not expected to disrupt HCN4 protein function. ClinVar contains an entry for this variant (Variation ID: 470671). This variant has not been reported in the literature in individuals affected with HCN4-related conditions. This variant is not present in population databases (gnomAD no frequency). This sequence change replaces histidine, which is basic and polar, with proline, which is neutral and non-polar, at codon 121 of the HCN4 protein (p.His121Pro).